The following is an entry in ClinVar:

NM_001370298.3(FGD4):c.2278G>C (p.Asp760His)

Gene: FGD4 (FYVE, RhoGEF and PH domain containing 4; plus strand). Cytogenetic location: 12p11.21.
Variant type: single nucleotide variant.
Coding change: c.2278G>C on transcript NM_001370298.3 (MANE Select); coding-DNA position 2278, G replaced by C.
Protein change: p.Asp760His; replaces aspartic acid 760 with histidine.
Molecular consequence: missense variant.
Genome position (GRCh38, 1-based): chr12:32,633,654, G>C. VCF-style: chr12-32633654-G-C. GRCh37 (hg19) VCF-style: chr12-32786588-G-C.
Other names: c.2122G>C, p.Asp708His (NM_001304481.2); c.1123G>C, p.Asp375His (NM_001304483.2); c.835G>C, p.Asp279His (NM_001304484.2); c.1588G>C, p.Asp530His (NM_001330373.2, NM_001330374.2, NM_001384130.1); c.1315G>C, p.Asp439His (NM_001370297.1); c.2278G>C, p.Asp760His (NM_001384126.1); c.1867G>C, p.Asp623His (NM_001384127.1, NM_001384128.1, NM_001385118.1 and 1 more transcripts); short protein forms D760H, D279H, D623H, D375H, D439H, D530H, D708H.
Identifiers: ClinVar variation 1353493 (VCV001353493.8), dbSNP rs2137024260, ClinGen allele CA384370376.

ClinVar aggregate classification (germline): Uncertain significance (1 of 4 stars; one submission).

Conditions:
Charcot-Marie-Tooth disease type 4. Also called: Charcot-Marie-Tooth, Type 4; Charcot-Marie-Tooth disease, type IV. Identifiers: Orphanet 64749, MedGen C4082197, MONDO:0018995.

Submission:

Labcorp Genetics (formerly Invitae), Labcorp
Classification: Uncertain significance for Charcot-Marie-Tooth disease type 4. Last evaluated: 2021-05-13. Review status: criteria provided, single submitter. Criteria: Invitae Variant Classification Sherloc (09022015). Collection method: clinical testing. Allele origin: germline.
Comment: Algorithms developed to predict the effect of missense changes on protein structure and function are either unavailable or do not agree on the potential impact of this missense change (SIFT: "Deleterious"; PolyPhen-2: "Benign"; Align-GVGD: "Class C0"). This variant has not been reported in the literature in individuals with FGD4-related conditions. This variant is not present in population databases (ExAC no frequency). This sequence change replaces aspartic acid with histidine at codon 623 of the FGD4 protein (p.Asp623His). The aspartic acid residue is highly conserved and there is a moderate physicochemical difference between aspartic acid and histidine. In summary, the available evidence is currently insufficient to determine the role of this variant in disease. Therefore, it has been classified as a Variant of Uncertain Significance.